The following is an entry in ClinVar:

ClinVar aggregate classification (germline): Uncertain significance (1 of 4 stars; one submission).

Conditions:
Autoimmune lymphoproliferative syndrome type 2A (ALPS2A). Also called: AUTOIMMUNE LYMPHOPROLIFERATIVE SYNDROME, TYPE IIA; CASP10-Related Autoimmune Lymphoproliferative Syndrome; Autoimmune lymphoproliferative syndrome type 2. Identifiers: Orphanet 3261, MedGen C1858968, MONDO:0011383, OMIM 603909.

gnomAD v4.1: 6 of 1,613,706 alleles (0.00037%); highest among the groups gnomAD compares: Middle Eastern, 0.017%; no homozygotes.

Submission:

Labcorp Genetics (formerly Invitae), Labcorp
Classification: Uncertain significance for Autoimmune lymphoproliferative syndrome type 2A. Last evaluated: 2024-01-19. Review status: criteria provided, single submitter. Criteria: Invitae Variant Classification Sherloc (09022015). Collection method: clinical testing. Allele origin: germline.
Comment: This sequence change replaces glutamic acid, which is acidic and polar, with aspartic acid, which is acidic and polar, at codon 157 of the CASP10 protein (p.Glu157Asp). This variant is present in population databases (no rsID available, gnomAD 0.0009%). This variant has not been reported in the literature in individuals affected with CASP10-related conditions. Advanced modeling of protein sequence and biophysical properties (such as structural, functional, and spatial information, amino acid conservation, physicochemical variation, residue mobility, and thermodynamic stability) has been performed at Invitae for this missense variant, however the output from this modeling did not meet the statistical confidence thresholds required to predict the impact of this variant on CASP10 protein function. In summary, the available evidence is currently insufficient to determine the role of this variant in disease. Therefore, it has been classified as a Variant of Uncertain Significance.

NM_032977.4(CASP10):c.471G>T (p.Glu157Asp)

Gene: CASP10 (caspase 10; plus strand). Cytogenetic location: 2q33.1.
Variant type: single nucleotide variant.
Coding change: c.471G>T on transcript NM_032977.4 (MANE Select); coding-DNA position 471, G replaced by T.
Protein change: p.Glu157Asp; replaces glutamic acid 157 with aspartic acid.
Molecular consequence: missense variant.
Genome position (GRCh38, 1-based): chr2:201,193,013, G>T. VCF-style: chr2-201193013-G-T. GRCh37 (hg19) VCF-style: chr2-202057736-G-T.
Other names: c.471G>T, p.Glu157Asp (NM_001206524.2, NM_001206542.2, NM_001230.5 and 3 more transcripts); short protein forms E157D.
Identifiers: ClinVar variation 2925828 (VCV002925828.3), dbSNP rs1037621640, ClinGen allele CA63856388.
Genomic context (GRCh38, chr2:201,193,013, plus strand): 5'-AGTAAATGTAACTCTATTGATTCTCTTGTAGACCTCCCTAAGTTTCCTGGCATTTCTAGA[G>T]AAACAAGGTAAAATAGATGAAGATAATCTGACATGCCTGGAGGACCTCTGCAAAACAGTT-3'
Protein context (NP_116759.2, residues 147-167): MTSLSFLAFL[Glu157Asp]KQGKIDEDNL